The following is an entry in ClinVar:

ClinVar aggregate classification (germline): Uncertain significance. Review status: criteria provided, single submitter (1 of 4 stars). 3 submissions from 3 submitters: Uncertain significance (1). 2 of the submissions do not count toward it. Last evaluated 2026-08-24.

Conditions:
Familial thoracic aortic aneurysm and aortic dissection (TAAD). Also called: Thoracic aortic aneurysms and dissections. Identifiers: Orphanet 91387, MedGen C4707243, MONDO:0019625.

Allele frequency attached by ClinVar (database versions not stated): gnomAD exomes below 0.00001 and 0.00001; gnomAD 0.00001; TOPMed 0.00001; ExAC 0.00001.
gnomAD v4.1: 9 of 1,614,016 alleles (0.00056%); highest among the groups gnomAD compares: African/African-American, 0.0013%; no homozygotes.

Submissions (3):

Ambry Genetics
Classification: Uncertain significance for Familial thoracic aortic aneurysm and aortic dissection. Last evaluated: 2026-08-24. Review status: criteria provided, single submitter. Criteria: Ambry Variant Classification Scheme 2023. Collection method: clinical testing. Allele origin: germline.
Comment: The p.T1242I variant (also known as c.3725C>T), located in coding exon 47 of the COL5A1 gene, results from a C to T substitution at nucleotide position 3725. The threonine at codon 1242 is replaced by isoleucine, an amino acid with similar properties. This amino acid position is conserved. In addition, the in silico prediction for this alteration is inconclusive. Based on the available evidence, the clinical significance of this variant remains unclear.

Clinical Genetics DNA and cytogenetics Diagnostics Lab, Erasmus MC, Erasmus Medical Center
Classification: Uncertain significance. Review status: no assertion criteria provided. Collection method: clinical testing. Allele origin: germline. Affected: yes. Study: VKGL Data-share Consensus. Not counted in ClinVar's aggregate classification.

Genome Diagnostics Laboratory, University Medical Center Utrecht
Classification: Uncertain significance. Review status: no assertion criteria provided. Collection method: clinical testing. Allele origin: germline. Affected: yes. Study: VKGL Data-share Consensus. Not counted in ClinVar's aggregate classification.

NM_000093.5(COL5A1):c.3725C>T (p.Thr1242Ile)

Gene: COL5A1 (collagen type V alpha 1 chain; plus strand). Cytogenetic location: 9q34.3.
Variant type: single nucleotide variant.
Coding change: c.3725C>T on transcript NM_000093.5 (MANE Select); coding-DNA position 3725, C replaced by T.
Protein change: p.Thr1242Ile; replaces threonine 1242 with isoleucine.
Molecular consequence: missense variant.
Genome position (GRCh38, 1-based): chr9:134,812,483, C>T. VCF-style: chr9-134812483-C-T. GRCh37 (hg19) VCF-style: chr9-137704329-C-T.
Other names: c.3725C>T, p.Thr1242Ile (NM_001278074.1); c.3725C>T (NM_000093.3); short protein forms T1242I.
Identifiers: ClinVar variation 1285004 (VCV001285004.3), dbSNP rs769091549, ClinGen allele CA5319997.